The following is an entry in ClinVar:

NM_001048174.2(MUTYH):c.253T>A (p.Trp85Arg)

Gene: MUTYH (mutY DNA glycosylase; minus strand). Cytogenetic location: 1p34.1.
Variant type: single nucleotide variant.
Coding change: c.253T>A on transcript NM_001048174.2 (MANE Select); coding-DNA position 253, T replaced by A.
Protein change: p.Trp85Arg; replaces tryptophan 85 with arginine.
Molecular consequence: missense variant. On other transcripts: 5 prime UTR variant (4), non-coding transcript variant (2).
Genome position (GRCh38, 1-based): chr1:45,333,424, A>T on the plus strand (T>A on the coding strand, the complement: MUTYH is on the minus strand). VCF-style: chr1-45333424-A-T. GRCh37 (hg19) VCF-style: chr1-45799096-A-T.
Other names: c.253T>A, p.Trp85Arg (NM_001048171.2, NM_001048173.2, NM_001293195.2); c.256T>A, p.Trp86Arg (NM_001048172.2); c.337T>A, p.Trp113Arg (NM_001128425.2); c.298T>A, p.Trp100Arg (NM_001293190.2); c.286T>A, p.Trp96Arg (NM_001293191.2); c.-24T>A (NM_001293192.2, NM_001293196.2); c.-19T>A (NM_001350650.2, NM_001350651.2); c.328T>A, p.Trp110Arg (NM_012222.3); short protein forms W113R, W100R, W86R, W85R, W96R, W110R.
Identifiers: ClinVar variation 230915 (VCV000230915.22), dbSNP rs776719541, ClinGen allele CA057398.
Genomic context (GRCh38, chr1:45,333,424, plus strand): 5'-GGCTGGGTGCCTGCCTCCCACCCACTGTCCCTGCTCCTCGCCTGCCTACCCGTCTTCTCC[A>T]TGGTAGGTCCCGTTTCTCTTGGTCGTACCAGCTTAGCAGGCTCCCTCGGAAGGCTGTGAC-3'
Protein context (NP_001041639.1, residues 75-95): WYDQEKRDLP[Trp85Arg]RRRAEDEMDL

ClinVar aggregate classification (germline): Conflicting classifications of pathogenicity. Review status: criteria provided, conflicting classifications (1 of 4 stars). 5 submissions from 5 submitters: Likely pathogenic (2); Uncertain significance (3). Last evaluated 2026-07-15.

Conditions:
Hereditary cancer-predisposing syndrome. Also called: Hereditary Cancer Syndrome; Tumor predisposition; Hereditary neoplastic syndrome; Neoplastic Syndromes, Hereditary. Identifiers: Orphanet 140162, MedGen C0027672, MeSH D009386, MONDO:0015356.
Familial adenomatous polyposis 2. Also called: MUTYH-associated polyposis; Adenomas, multiple colorectal; FAP type 2; MUTYH Polyposis; COLORECTAL ADENOMATOUS POLYPOSIS, AUTOSOMAL RECESSIVE; ADENOMAS, MULTIPLE COLORECTAL, AUTOSOMAL RECESSIVE. Identifiers: Orphanet 220460, Orphanet 247798, MedGen C3272841, MONDO:0012041, OMIM 608456.

Allele frequency attached by ClinVar (database versions not stated): gnomAD exomes below 0.00001; ExAC 0.00001; gnomAD 0.00003; TOPMed 0.00001.
gnomAD v4.1: 1 of 1,613,986 alleles (0.000062%); highest among the groups gnomAD compares: Non-Finnish European, 0.000085%; no homozygotes.

Submissions (5):

Myriad Genetics, Inc.
Classification: Likely pathogenic for Familial adenomatous polyposis 2. Last evaluated: 2026-07-15. Review status: criteria provided, single submitter. Criteria: Myriad Autosomal Dominant, Autosomal Recessive and X-Linked Classification Criteria (2023). Collection method: clinical testing. Allele origin: unknown.
Comment: This variant is considered likely pathogenic. Functional studies indicate this variant impacts protein function [PMID: 40738107]. This variant is expected to disrupt protein structure [Myriad internal data]. This variant has been reported in multiple individuals with clinical features of gene-specific disease [PMID_28644590].

Color Diagnostics, LLC DBA Color Health
Classification: Uncertain significance for Hereditary cancer-predisposing syndrome. Last evaluated: 2025-08-19. Review status: criteria provided, single submitter. Criteria: ACMG Guidelines, 2015. Collection method: clinical testing. Allele origin: germline.
Comment: This missense variant replaces tryptophan with arginine at codon 113 of the MUTYH protein. Computational prediction suggests that this variant may have deleterious impact on protein structure and function. To our knowledge, functional studies have not been performed for this variant. This variant has been reported as biallelic (phase unknown) in 2 individuals from the same family affected with rectal cancer and polyposis and polyposis (PMID: 28644590). This variant has been identified in 2/282864 chromosomes in the general population by the Genome Aggregation Database (gnomAD). The available evidence is insufficient to determine the role of this variant in disease conclusively. Therefore, this variant is classified as a Variant of Uncertain Significance.

Ambry Genetics
Classification: Likely pathogenic for Hereditary cancer-predisposing syndrome. Last evaluated: 2025-08-15. Review status: criteria provided, single submitter. Criteria: Ambry Variant Classification Scheme 2023. Collection method: clinical testing. Allele origin: germline.
Comment: The p.W113R variant (also known as c.337T>A), located in coding exon 3 of the MUTYH gene, results from a T to A substitution at nucleotide position 337. The tryptophan at codon 113 is replaced by arginine, an amino acid with dissimilar properties. In a massively parallel cell-based functional assay testing 7,8-dihydro-8-oxoguanine:adenine (8OG:A) repair activity, a byproduct of oxidative damage, this variant was reported to be non-functional (Hemker SL et al. Am J Hum Genet. Published online July 29, 2025. DOI: 10.1016/j.ajhg.2025.07.005). A different alteration at the same nucleotide, c.337T>C, which results in the same amino acid change (p.W113R), has been reported in conjunction with a pathogenic MUTYH mutation (phase unknown) in two individuals diagnosed with polyposis (McVeigh TP et al. Ir Med J. 2016 Dec 12;109(10):485). This amino acid position is highly conserved in available vertebrate species. In addition, this alteration is predicted to be deleterious by in silico analysis. This variant is considered to be rare based on population cohorts in the Genome Aggregation Database (gnomAD). Based on the majority of available evidence to date, this variant is likely to be pathogenic.

Labcorp Genetics (formerly Invitae), Labcorp
Classification: Uncertain significance for Familial adenomatous polyposis 2. Last evaluated: 2025-04-23. Review status: criteria provided, single submitter. Criteria: Invitae Variant Classification Sherloc (09022015). Collection method: clinical testing. Allele origin: germline.
Comment: This sequence change replaces tryptophan, which is neutral and slightly polar, with arginine, which is basic and polar, at codon 113 of the MUTYH protein (p.Trp113Arg). This variant is present in population databases (rs776719541, gnomAD 0.002%). This missense change has been observed in individual(s) with rectal cancer and multiple polyps who also carried another pathogenic variant in MUTYH. (internal data). ClinVar contains an entry for this variant (Variation ID: 230915). An algorithm developed to predict the effect of missense changes on protein structure and function (PolyPhen-2) suggests that this variant is likely to be disruptive. In summary, the available evidence is currently insufficient to determine the role of this variant in disease. Therefore, it has been classified as a Variant of Uncertain Significance.

All of Us Research Program, National Institutes of Health
Classification: Uncertain significance for Familial adenomatous polyposis 2. Last evaluated: 2023-08-15. Review status: criteria provided, single submitter. Criteria: ACMG Guidelines, 2015. Collection method: clinical testing. Allele origin: germline. Inheritance: Autosomal recessive inheritance. Observed: 1 variant allele, 1 heterozygote.
Comment: This missense variant replaces tryptophan with arginine at codon 113 of the MUTYH protein. Computational prediction suggests that this variant may have deleterious impact on protein structure and function (internally defined REVEL score threshold >= 0.7, PMID: 27666373). Splice site prediction tools suggest that this variant may not impact RNA splicing. To our knowledge, functional studies have not been performed for this variant. This variant has been reported in 1 individual affected with rectum cancer and polyposis who also carried another pathogenic variant in MUTYH, and another individual with polyposis in the same family (PMID 28644590). This variant has been identified in 2/282864 chromosomes in the general population by the Genome Aggregation Database (gnomAD). The available evidence is insufficient to determine the role of this variant in disease conclusively. Therefore, this variant is classified as a Variant of Uncertain Significance.

This study involves interpretation of variants in research participants for the purpose of population health screening. Participant phenotype was not available at the time of variant classification. Additional details can be found in publication PMID: 35346344, PMCID: PMC8962531

Literature cited by the submitters: PubMed 40738107 (cited by Myriad Genetics, Inc. and Ambry Genetics); PubMed 28644590 (cited by Myriad Genetics, Inc. and Color Diagnostics, LLC DBA Color Health).